The following is an entry in ClinVar:

NM_000817.3(GAD1):c.1334C>T (p.Ser445Phe)

Gene: GAD1 (glutamate decarboxylase 1; plus strand). Cytogenetic location: 2q31.1.
Variant type: single nucleotide variant.
Coding change: c.1334C>T on transcript NM_000817.3 (MANE Select); coding-DNA position 1334, C replaced by T.
Protein change: p.Ser445Phe; replaces serine 445 with phenylalanine.
Molecular consequence: missense variant.
Genome position (GRCh38, 1-based): chr2:170,853,943, C>T. VCF-style: chr2-170853943-C-T. GRCh37 (hg19) VCF-style: chr2-171710453-C-T.
Other names: short protein forms S445F.
Identifiers: ClinVar variation 580637 (VCV000580637.8), dbSNP rs1169710215, ClinGen allele CA349267243.
Genomic context (GRCh38, chr2:170,853,943, plus strand): 5'-AAGGATGCAACCAGATGTGTGCAGGATACCTCTTCCAGCCAGACAAGCAGTATGATGTCT[C>T]CTACGACACCGGGGACAAGGCAATTCAGTGTGGCCGCCACGTGGATATCTTCAAGTTCTG-3'
Protein context (NP_000808.2, residues 435-455): LFQPDKQYDV[Ser445Phe]YDTGDKAIQC

ClinVar aggregate classification (germline): Uncertain significance (1 of 4 stars; one submission).

Conditions:
Neurodevelopmental disorder with progressive spasticity and brain white matter abnormalities. Also called: CEREBRAL PALSY, SPASTIC QUADRIPLEGIC, 1. Identifiers: Orphanet 210141, Orphanet 641353, MedGen C5436628, MONDO:0033613, OMIM 619026.

Allele frequency attached by ClinVar (database versions not stated): gnomAD 0.00001; gnomAD exomes below 0.00001; TOPMed below 0.00001.
gnomAD v4.1: 2 of 1,613,974 alleles (0.00012%); highest among the groups gnomAD compares: South Asian, 0.0011%; no homozygotes.

Submission:

Labcorp Genetics (formerly Invitae), Labcorp
Classification: Uncertain significance for Neurodevelopmental disorder with progressive spasticity and brain white matter abnormalities. Last evaluated: 2021-08-26. Review status: criteria provided, single submitter. Criteria: Invitae Variant Classification Sherloc (09022015). Collection method: clinical testing. Allele origin: germline.
Comment: This sequence change replaces serine with phenylalanine at codon 445 of the GAD1 protein (p.Ser445Phe). The serine residue is highly conserved and there is a large physicochemical difference between serine and phenylalanine. This variant is not present in population databases (ExAC no frequency). This variant has not been reported in the literature in individuals affected with GAD1-related conditions. Algorithms developed to predict the effect of missense changes on protein structure and function (SIFT, PolyPhen-2, Align-GVGD) all suggest that this variant is likely to be disruptive. In summary, the available evidence is currently insufficient to determine the role of this variant in disease. Therefore, it has been classified as a Variant of Uncertain Significance.